The following is an entry in ClinVar:

NM_015214.3(DDHD2):c.226G>T (p.Gly76Cys)

Gene: DDHD2 (DDHD domain containing 2; plus strand). Cytogenetic location: 8p11.23.
Variant type: single nucleotide variant.
Coding change: c.226G>T on transcript NM_015214.3 (MANE Select); coding-DNA position 226, G replaced by T.
Protein change: p.Gly76Cys; replaces glycine 76 with cysteine.
Molecular consequence: missense variant. On other transcripts: non-coding transcript variant (2).
Genome position (GRCh38, 1-based): chr8:38,234,399, G>T. VCF-style: chr8-38234399-G-T. GRCh37 (hg19) VCF-style: chr8-38091917-G-T.
Other names: c.226G>T, p.Gly76Cys (NM_001164232.2, NM_001164234.2, NM_001362911.2 and 3 more transcripts); short protein forms G76C.
Identifiers: ClinVar variation 734414 (VCV000734414.33), dbSNP rs141644282, ClinGen allele CA4715919.

ClinVar aggregate classification (germline): Conflicting classifications of pathogenicity. Review status: criteria provided, conflicting classifications (1 of 4 stars). 5 submissions from 5 submitters: Uncertain significance (1); Benign (1); Likely benign (3). Last evaluated 2025-03-01.

Conditions:
Hereditary spastic paraplegia. Also called: Familial spastic paraparesis. Identifiers: Orphanet 685, MedGen C0037773, MONDO:0019064. Disease mechanism: loss of function.
Inborn genetic diseases. Identifiers: MedGen C0950123, MeSH D030342.
Hereditary spastic paraplegia 54. Also called: Spastic paraplegia 54, autosomal recessive. Identifiers: Orphanet 320380, MedGen C3539495, MONDO:0014018, OMIM 615033.

Allele frequency attached by ClinVar (database versions not stated): ExAC 0.00139; ESP Exome Variant Server 0.00169; 1000 Genomes Project 30x 0.00312; 1000 Genomes Project 0.00319; gnomAD 0.00335 and 0.00358; TOPMed 0.00384.
gnomAD v4.1: 1,317 of 1,572,976 alleles (0.084%); highest among the groups gnomAD compares: African/African-American, 0.91%; 4 homozygotes.

Submissions (5):

CeGaT Center for Human Genetics Tuebingen
Classification: Likely benign. Last evaluated: 2025-03-01. Review status: criteria provided, single submitter. Criteria: CeGaT Center For Human Genetics Tuebingen Variant Classification Criteria Version 2. Collection method: clinical testing. Allele origin: germline. Affected: yes. Observed: 4 variant alleles.
Comment: DDHD2: BP4, BS2

Genome Diagnostics Laboratory, The Hospital for Sick Children
Classification: Likely benign for Hereditary spastic paraplegia. Last evaluated: 2021-10-05. Review status: criteria provided, single submitter. Criteria: ACMG Guidelines, 2015. Collection method: clinical testing. Allele origin: germline. Affected: yes.

Ambry Genetics
Classification: Uncertain significance for Inborn genetic diseases. Last evaluated: 2021-07-09. Review status: criteria provided, single submitter. Criteria: Ambry Variant Classification Scheme 2023. Collection method: clinical testing. Allele origin: germline.

Labcorp Genetics (formerly Invitae), Labcorp
Classification: Benign for Spastic paraplegia 54, autosomal recessive. Last evaluated: 2019-12-31. Review status: criteria provided, single submitter. Criteria: Invitae Variant Classification Sherloc (09022015). Collection method: clinical testing. Allele origin: germline.

Breakthrough Genomics
Classification: Likely benign. Review status: criteria provided, single submitter. Criteria: ACMG Guidelines, 2015. Collection method: not provided. Allele origin: germline. Inheritance: Autosomal recessive inheritance. Affected: yes.